The following is an entry in ClinVar:

NM_001283009.2(RTEL1):c.2265+8C>T

Genes: RTEL1-TNFRSF6B (RTEL1-TNFRSF6B readthrough (NMD candidate); plus strand), RTEL1 (regulator of telomere elongation helicase 1; plus strand). Cytogenetic location: 20q13.33.
Variant type: single nucleotide variant.
Coding change: c.2265+8C>T on transcript NM_001283009.2 (MANE Select); 8 bases into the intron after coding-DNA position 2265, C replaced by T.
Molecular consequence: intron variant.
Genome position (GRCh38, 1-based): chr20:63,690,218, C>T. VCF-style: chr20-63690218-C-T. GRCh37 (hg19) VCF-style: chr20-62321571-C-T.
Other names: c.2265+8C>T (NM_001283009.1, NM_016434.4); c.1596+8C>T (NM_001283010.1); c.2337+8C>T (NM_032957.5).
Identifiers: ClinVar variation 1673892 (VCV001673892.9), dbSNP rs771232929, ClinGen allele CA9965242.

ClinVar aggregate classification (germline): Likely benign. Review status: criteria provided, multiple submitters, no conflicts (2 of 4 stars). 2 submissions from 2 submitters: Likely benign (2). Last evaluated 2026-08-26.

Conditions:
RTEL1-related disorder. Also called: RTEL1-related condition; RTEL1-related disorders.
Pulmonary fibrosis and/or bone marrow failure, Telomere-related, 3. Also called: PULMONARY FIBROSIS AND/OR BONE MARROW FAILURE SYNDROME, TELOMERE-RELATED, 3. Identifiers: Orphanet 2032, MedGen C4225346, MONDO:0014613, OMIM 616373.
Dyskeratosis congenita, autosomal recessive 5 (DKCB5). Identifiers: MedGen C3554656, MONDO:0014076, OMIM 615190.

Allele frequency attached by ClinVar (database versions not stated): gnomAD 0.00001; gnomAD exomes 0.00001; ExAC 0.00002; TOPMed 0.00003.

Submissions (2):

PreventionGenetics, part of Exact Sciences
Classification: Likely benign for RTEL1-related condition. Last evaluated: 2026-08-26. Review status: criteria provided, single submitter. Criteria: ACMG Guidelines, 2015. Collection method: clinical testing. Allele origin: germline.
Comment: This variant is classified as likely benign based on ACMG/AMP sequence variant interpretation guidelines (Richards et al. 2015 PMID: 25741868, with internal and published modifications).

Labcorp Genetics (formerly Invitae), Labcorp
Classification: Likely benign for Dyskeratosis congenita, autosomal recessive 5; Pulmonary fibrosis and/or bone marrow failure, Telomere-related, 3. Last evaluated: 2025-10-23. Review status: criteria provided, single submitter. Criteria: Invitae Variant Classification Sherloc (09022015). Collection method: clinical testing. Allele origin: germline.